The following is an entry in ClinVar:

NM_001009944.3(PKD1):c.12884A>C (p.Lys4295Thr)

Gene: PKD1 (polycystin 1, transient receptor potential channel interacting; minus strand). Cytogenetic location: 16p13.3.
Variant type: single nucleotide variant.
Coding change: c.12884A>C on transcript NM_001009944.3 (MANE Select); coding-DNA position 12884, A replaced by C.
Protein change: p.Lys4295Thr; replaces lysine 4295 with threonine.
Molecular consequence: missense variant.
Genome position (GRCh38, 1-based): chr16:2,089,755, T>G on the plus strand (A>C on the coding strand, the complement: PKD1 is on the minus strand). VCF-style: chr16-2089755-T-G. GRCh37 (hg19) VCF-style: chr16-2139756-T-G.
Other names: c.12881A>C, p.Lys4294Thr (NM_000296.4); short protein forms K4295T, K4294T.
Identifiers: ClinVar variation 4978511 (VCV004978511.1).

ClinVar aggregate classification (germline): Uncertain significance (1 of 4 stars; one submission).

Conditions:
PKD1-related disorder. Also called: PKD1-related condition.

Submission:

PreventionGenetics, part of Exact Sciences
Classification: Uncertain significance for PKD1-related condition. Last evaluated: 2026-08-01. Review status: criteria provided, single submitter. Criteria: ACMG Guidelines, 2015. Collection method: clinical testing. Allele origin: germline.
Comment: The PKD1 c.12884A>C variant is predicted to result in the amino acid substitution p.Lys4295Thr. To our knowledge, this variant has not been reported in the literature or in a large population database (gnomAD), indicating this variant is rare. At this time, the clinical significance of this variant is uncertain due to the absence of conclusive functional and genetic evidence.